The following is an entry in ClinVar:

ClinVar aggregate classification (germline): Conflicting classifications of pathogenicity. Review status: criteria provided, conflicting classifications (1 of 4 stars). 2 submissions from 2 submitters: Uncertain significance (1); Likely benign (1). Last evaluated 2023-02-04.

Conditions:
Inborn genetic diseases. Identifiers: MedGen C0950123, MeSH D030342.

Allele frequency attached by ClinVar (database versions not stated): gnomAD 0.00001 and 0.00002; TOPMed 0.00002.

Submissions (2):

Labcorp Genetics (formerly Invitae), Labcorp
Classification: Likely benign. Last evaluated: 2023-02-04. Review status: criteria provided, single submitter. Criteria: Invitae Variant Classification Sherloc (09022015). Collection method: clinical testing. Allele origin: germline.

Ambry Genetics
Classification: Uncertain significance for Inborn genetic diseases. Last evaluated: 2021-06-28. Review status: criteria provided, single submitter. Criteria: Ambry Variant Classification Scheme 2023. Collection method: clinical testing. Allele origin: germline.
Comment: The c.4689+5A>G intronic alteration consists of a A to G substitution nucleotides after coding exon 33 in the CACNA1E gene. Based on insufficient or conflicting evidence, the clinical significance of this alteration remains unclear.

NM_001205293.3(CACNA1E):c.4689+5A>G

Gene: CACNA1E (calcium voltage-gated channel subunit alpha1 E; plus strand). Cytogenetic location: 1q25.3.
Variant type: single nucleotide variant.
Coding change: c.4689+5A>G on transcript NM_001205293.3 (MANE Select); 5 bases into the intron after coding-DNA position 4689, A replaced by G.
Molecular consequence: intron variant.
Genome position (GRCh38, 1-based): chr1:181,762,662, A>G. VCF-style: chr1-181762662-A-G. GRCh37 (hg19) VCF-style: chr1-181731798-A-G.
Other names: c.4689+5A>G (NM_001205293.1, NM_000721.4); c.4632+5A>G (NM_001205294.2).
Identifiers: ClinVar variation 1531876 (VCV001531876.9), dbSNP rs1324836124, ClinGen allele CA892034553.
Genomic context (GRCh38, chr1:181,762,662, plus strand): 5'-TTGACTTCATCACCGTGATTGGCAGTATCACAGAAATTATCCTGACAGACAGCAAGGTGA[A>G]TGGCTTATAAGATCCATGTCTGTAAGCTTGGCCCTGGAGTAGCATTTTTAAAACTCCTCT-3'